The following is an entry in ClinVar:

ClinVar aggregate classification (germline): Uncertain significance (1 of 4 stars; one submission).

Submission:

GeneDx
Classification: Uncertain significance. Last evaluated: 2024-12-02. Review status: criteria provided, single submitter. Criteria: GeneDx Variant Classification Process June 2021. Collection method: clinical testing. Allele origin: germline. Affected: yes.
Comment: Not observed at significant frequency in large population cohorts (gnomAD); In silico analysis supports that this missense variant has a deleterious effect on protein structure/function; Has not been previously published as pathogenic or benign to our knowledge

NM_058004.4(PI4KA):c.4171A>G (p.Lys1391Glu)

Gene: PI4KA (phosphatidylinositol 4-kinase alpha; minus strand). Cytogenetic location: 22q11.21.
Variant type: single nucleotide variant.
Coding change: c.4171A>G on transcript NM_058004.4 (MANE Select); coding-DNA position 4171, A replaced by G.
Protein change: p.Lys1391Glu; replaces lysine 1391 with glutamic acid.
Molecular consequence: missense variant.
Genome position (GRCh38, 1-based): chr22:20,733,088, T>C on the plus strand (A>G on the coding strand, the complement: PI4KA is on the minus strand). VCF-style: chr22-20733088-T-C. GRCh37 (hg19) VCF-style: chr22-21087376-T-C.
Other names: c.4078A>G, p.Lys1360Glu (NM_001362862.2); c.4105A>G, p.Lys1369Glu (NM_001362863.2); short protein forms K1360E, K1369E, K1391E.
Identifiers: ClinVar variation 3900859 (VCV003900859.1).
Genomic context (GRCh38, chr22:20,733,088, plus strand): 5'-AAAATTTAATCATGATGCTTATGTCTTCACGCAGCCGCTTCTCTCCTTGAGTAGGGAACT[T>C]TGGGGGACAGCTTCAAACAACCATAAGAGGACAAGGGCTGAGTGTCTGGAGTCAGGGACT-3'
Protein context (NP_477352.3, residues 1381-1401): TAFDYFSCPP[Lys1391Glu]FPTQGEKRLR